The following is an entry in ClinVar:

ClinVar aggregate classification (germline): Uncertain significance. Review status: criteria provided, multiple submitters, no conflicts (2 of 4 stars). 2 submissions from 2 submitters: Uncertain significance (2). Last evaluated 2024-11-04.

Conditions:
POR-related disorder. Also called: POR-related condition.
Congenital adrenal hyperplasia due to cytochrome P450 oxidoreductase deficiency. Also called: DISORDERED STEROIDOGENESIS DUE TO POR DEFICIENCY. Identifiers: Orphanet 95699, MedGen C1860042, MONDO:0013310, OMIM 613571.

Allele frequency attached by ClinVar (database versions not stated): ExAC 0.00004; gnomAD 0.00004; TOPMed 0.00004.
gnomAD v4.1: 73 of 1,612,802 alleles (0.0045%); highest among the groups gnomAD compares: Middle Eastern, 0.033%; no homozygotes.

Submissions (2):

Labcorp Genetics (formerly Invitae), Labcorp
Classification: Uncertain significance for Congenital adrenal hyperplasia due to cytochrome P450 oxidoreductase deficiency. Last evaluated: 2024-11-04. Review status: criteria provided, single submitter. Criteria: Invitae Variant Classification Sherloc (09022015). Collection method: clinical testing. Allele origin: germline.
Comment: This sequence change replaces proline, which is neutral and non-polar, with leucine, which is neutral and non-polar, at codon 284 of the POR protein (p.Pro284Leu). This variant is present in population databases (rs72557938, gnomAD 0.02%). This variant has not been reported in the literature in individuals affected with POR-related conditions. ClinVar contains an entry for this variant (Variation ID: 2632080). Invitae Evidence Modeling of protein sequence and biophysical properties (such as structural, functional, and spatial information, amino acid conservation, physicochemical variation, residue mobility, and thermodynamic stability) indicates that this missense variant is not expected to disrupt POR protein function with a negative predictive value of 80%. Experimental studies have shown that this missense change affects POR function (PMID: 18230729, 18551037, 28970799, 31669572). In summary, the available evidence is currently insufficient to determine the role of this variant in disease. Therefore, it has been classified as a Variant of Uncertain Significance.

PreventionGenetics, part of Exact Sciences
Classification: Uncertain significance for POR-related condition. Last evaluated: 2022-08-23. Review status: criteria provided, single submitter. Criteria: ACMG Guidelines, 2015. Collection method: clinical testing. Allele origin: germline.
Comment: The POR c.851C>T variant is predicted to result in the amino acid substitution p.Pro284Leu. To our knowledge, this variant has not been reported any individuals with a POR-related disorder. It has been identified in unaffected individuals, and functional studies suggest it may impact the activity of POR-P450 redox partner enzymes (Agrawal et al. 2008. PubMed ID: 18551037; Huang et al. 2008. PubMed ID: 18230729; Udhane et al. 2017. PubMed ID: 28970799). This variant is reported in 0.020% of alleles in individuals of East Asian descent in gnomAD. At this time, the clinical significance of this variant is uncertain due to the absence of conclusive functional and genetic evidence.

Literature cited by the submitters: PubMed 18230729 (cited by Labcorp Genetics (formerly Invitae), Labcorp); PubMed 18551037 (cited by Labcorp Genetics (formerly Invitae), Labcorp); PubMed 28970799 (cited by Labcorp Genetics (formerly Invitae), Labcorp); PubMed 31669572 (cited by Labcorp Genetics (formerly Invitae), Labcorp).

NM_001395413.1(POR):c.842C>T (p.Pro281Leu)

Genes: POR (cytochrome p450 oxidoreductase; plus strand), LOC126860075 (CDK7 strongly-dependent group 2 enhancer GRCh37_chr7:75612087-75613286; plus strand). Cytogenetic location: 7q11.23.
Variant type: single nucleotide variant.
Coding change: c.842C>T on transcript NM_001395413.1 (MANE Select); coding-DNA position 842, C replaced by T.
Protein change: p.Pro281Leu; replaces proline 281 with leucine.
Molecular consequence: missense variant.
Genome position (GRCh38, 1-based): chr7:75,983,540, C>T. VCF-style: chr7-75983540-C-T. GRCh37 (hg19) VCF-style: chr7-75612858-C-T.
Other names: c.851C>T, p.Pro284Leu (NM_000941.2, NM_000941.3); c.842C>T, p.Pro281Leu (NM_001367562.3, NM_001382657.2, NM_001382658.3 and 2 more transcripts); c.896C>T, p.Pro299Leu (NM_001382655.3); short protein forms P281L, P284L, P299L.
Identifiers: ClinVar variation 2632080 (VCV002632080.3), dbSNP rs72557938, ClinGen allele CA4303879.
Genomic context (GRCh38, chr7:75,983,540, plus strand): 5'-AGCCCCGGCCGCTCACTGTGCTTCTCTCCTCCCCACCCAGCCCCTTTGATGCCAAGAATC[C>T]GTTCCTGGCTGCAGTCACCACCAACCGGAAGCTGAACCAGGGAACCGAGCGCCACCTCAT-3'
Protein context (NP_001382342.1, residues 271-291): NQKPPFDAKN[Pro281Leu]FLAAVTTNRK